The following is an entry in ClinVar:

NM_004565.3(PEX14):c.913G>A (p.Val305Ile)

Gene: PEX14 (peroxisomal biogenesis factor 14; plus strand). Cytogenetic location: 1p36.22.
Variant type: single nucleotide variant.
Coding change: c.913G>A on transcript NM_004565.3 (MANE Select); coding-DNA position 913, G replaced by A.
Protein change: p.Val305Ile; replaces valine 305 with isoleucine.
Molecular consequence: missense variant.
Genome position (GRCh38, 1-based): chr1:10,629,766, G>A. VCF-style: chr1-10629766-G-A. GRCh37 (hg19) VCF-style: chr1-10689823-G-A.
Other names: c.913G>A (NM_004565.2); short protein forms V305I.
Identifiers: ClinVar variation 1924312 (VCV001924312.6), dbSNP rs776350064, ClinGen allele CA583997.

ClinVar aggregate classification (germline): Uncertain significance. Review status: criteria provided, multiple submitters, no conflicts (2 of 4 stars). 2 submissions from 2 submitters: Uncertain significance (2). Last evaluated 2025-06-25.

Conditions:
PEX14-related disorder. Also called: PEX14-related condition.
Peroxisome biogenesis disorder, complementation group K (CGK). Identifiers: MedGen C1866257, MONDO:0800365.

Allele frequency attached by ClinVar (database versions not stated): gnomAD 0.00001; gnomAD exomes 0.00002; TOPMed 0.00002; ExAC 0.00004.
gnomAD v4.1: 29 of 1,584,300 alleles (0.0018%); highest among the groups gnomAD compares: South Asian, 0.0034%; no homozygotes.

Submissions (2):

PreventionGenetics, part of Exact Sciences
Classification: Uncertain significance for PEX14-related condition. Last evaluated: 2025-06-25. Review status: criteria provided, single submitter. Criteria: ACMG Guidelines, 2015. Collection method: clinical testing. Allele origin: germline.
Comment: The PEX14 c.913G>A variant is predicted to result in the amino acid substitution p.Val305Ile. To our knowledge, this variant has not been reported in the literature. This variant is reported in 0.0023% of alleles in individuals of European (Non-Finnish) descent in gnomAD. At this time, the clinical significance of this variant is uncertain due to the absence of conclusive functional and genetic evidence.

Labcorp Genetics (formerly Invitae), Labcorp
Classification: Uncertain significance for Peroxisome biogenesis disorder, complementation group K. Last evaluated: 2022-05-06. Review status: criteria provided, single submitter. Criteria: Invitae Variant Classification Sherloc (09022015). Collection method: clinical testing. Allele origin: germline.
Comment: This sequence change replaces valine, which is neutral and non-polar, with isoleucine, which is neutral and non-polar, at codon 305 of the PEX14 protein (p.Val305Ile). The frequency data for this variant in the population databases is considered unreliable, as metrics indicate poor data quality at this position in the gnomAD database. This variant has not been reported in the literature in individuals affected with PEX14-related conditions. Algorithms developed to predict the effect of missense changes on protein structure and function (SIFT, PolyPhen-2, Align-GVGD) all suggest that this variant is likely to be tolerated. In summary, the available evidence is currently insufficient to determine the role of this variant in disease. Therefore, it has been classified as a Variant of Uncertain Significance.